The following is an entry in ClinVar:

NM_002430.3(MN1):c.1139G>C (p.Arg380Pro)

Gene: MN1 (MN1 proto-oncogene, transcriptional regulator; minus strand). Cytogenetic location: 22q12.1.
Variant type: single nucleotide variant.
Coding change: c.1139G>C on transcript NM_002430.3 (MANE Select); coding-DNA position 1139, G replaced by C.
Protein change: p.Arg380Pro; replaces arginine 380 with proline.
Molecular consequence: missense variant.
Genome position (GRCh38, 1-based): chr22:27,799,405, C>G on the plus strand (G>C on the coding strand, the complement: MN1 is on the minus strand). VCF-style: chr22-27799405-C-G. GRCh37 (hg19) VCF-style: chr22-28195393-C-G.
Other names: short protein forms R380P.
Identifiers: ClinVar variation 4055771 (VCV004055771.1).

ClinVar aggregate classification (germline): Uncertain significance (1 of 4 stars; one submission).

gnomAD v4.1: 2 of 1,502,420 alleles (0.00013%); highest among the groups gnomAD compares: Admixed American, 0.0024%; no homozygotes.

Submission:

GeneDx
Classification: Uncertain significance. Last evaluated: 2025-01-02. Review status: criteria provided, single submitter. Criteria: GeneDx Variant Classification Process June 2021. Collection method: clinical testing. Allele origin: germline. Affected: yes.
Comment: In silico analysis supports that this missense variant has a deleterious effect on protein structure/function; Has not been previously published as pathogenic or benign to our knowledge